The following is an entry in ClinVar:

NM_014249.4(NR2E3):c.133C>T (p.Leu45Phe)

Gene: NR2E3 (nuclear receptor subfamily 2 group E member 3; plus strand). Cytogenetic location: 15q23.
Variant type: single nucleotide variant.
Coding change: c.133C>T on transcript NM_014249.4 (MANE Select); coding-DNA position 133, C replaced by T.
Protein change: p.Leu45Phe; replaces leucine 45 with phenylalanine.
Molecular consequence: missense variant.
Genome position (GRCh38, 1-based): chr15:71,811,497, C>T. VCF-style: chr15-71811497-C-T. GRCh37 (hg19) VCF-style: chr15-72103837-C-T.
Other names: c.133C>T, p.Leu45Phe (NM_016346.4); c.133C>T (NM_014249.2, NM_014249.3); short protein forms L45F.
Identifiers: ClinVar variation 1424217 (VCV001424217.8), dbSNP rs368627488, ClinGen allele CA272574796.
Genomic context (GRCh38, chr15:71,811,497, plus strand): 5'-CCCGGCCCAGCCCTGCCCTGGCCCAGCCCTGCCCCCTGCCCCTCAGGCGTGAGCCCCTCG[C>T]TCCAGTGCCGCGTGTGCGGAGACAGCAGCAGCGGGAAGCACTATGGCATCTATGCCTGCA-3'
Protein context (NP_055064.1, residues 35-55): GEDPTGVSPS[Leu45Phe]QCRVCGDSSS

ClinVar aggregate classification (germline): Uncertain significance. Review status: criteria provided, multiple submitters, no conflicts (2 of 4 stars). 4 submissions from 4 submitters: Uncertain significance (4). Last evaluated 2025-07-31.

Conditions:
NR2E3-related disorder. Also called: NR2E3-related disorders; NR2E3-related condition. Identifiers: MedGen CN239387.
Inborn genetic diseases. Identifiers: MedGen C0950123, MeSH D030342.

Allele frequency attached by ClinVar (database versions not stated): gnomAD 0.00008 and 0.00007; TOPMed 0.00014; ESP Exome Variant Server 0.00016; gnomAD exomes 0.00001.
gnomAD v4.1: 23 of 1,560,680 alleles (0.0015%); highest among the groups gnomAD compares: African/African-American, 0.027%; no homozygotes.

Submissions (4):

PreventionGenetics, part of Exact Sciences
Classification: Uncertain significance for NR2E3-related condition. Last evaluated: 2025-07-31. Review status: criteria provided, single submitter. Criteria: ACMG Guidelines, 2015. Collection method: clinical testing. Allele origin: germline.
Comment: The NR2E3 c.133C>T variant is predicted to result in the amino acid substitution p.Leu45Phe. To our knowledge, this variant has not been reported in the literature. This variant is present in 0.023% of alleles in individuals of African descent in gnomAD. At this time, the clinical significance of this variant is uncertain due to the absence of conclusive functional and genetic evidence.

Ambry Genetics
Classification: Uncertain significance for Inborn genetic diseases. Last evaluated: 2025-05-26. Review status: criteria provided, single submitter. Criteria: Ambry Variant Classification Scheme 2023. Collection method: clinical testing. Allele origin: germline.

Labcorp Genetics (formerly Invitae), Labcorp
Classification: Uncertain significance. Last evaluated: 2025-03-31. Review status: criteria provided, single submitter. Criteria: Invitae Variant Classification Sherloc (09022015). Collection method: clinical testing. Allele origin: germline.
Comment: This sequence change replaces leucine, which is neutral and non-polar, with phenylalanine, which is neutral and non-polar, at codon 45 of the NR2E3 protein (p.Leu45Phe). This variant is present in population databases (rs368627488, gnomAD 0.02%). This variant has not been reported in the literature in individuals affected with NR2E3-related conditions. ClinVar contains an entry for this variant (Variation ID: 1424217). Invitae Evidence Modeling of protein sequence and biophysical properties (such as structural, functional, and spatial information, amino acid conservation, physicochemical variation, residue mobility, and thermodynamic stability) has been performed for this missense variant. However, the output from this modeling did not meet the statistical confidence thresholds required to predict the impact of this variant on NR2E3 protein function. Algorithms developed to predict the effect of sequence changes on RNA splicing suggest that this variant may create or strengthen a splice site. In summary, the available evidence is currently insufficient to determine the role of this variant in disease. Therefore, it has been classified as a Variant of Uncertain Significance.

Blueprint Genetics
Classification: Uncertain significance. Last evaluated: 2022-01-11. Review status: criteria provided, single submitter. Criteria: ACMG Guidelines, 2015. Collection method: clinical testing. Allele origin: germline.